The following is an entry in ClinVar:

ClinVar aggregate classification (germline): Uncertain significance (1 of 4 stars; one submission).

Allele frequency attached by ClinVar (database versions not stated): TOPMed below 0.00001.

Submission:

GeneDx
Classification: Uncertain significance. Last evaluated: 2021-04-13. Review status: criteria provided, single submitter. Criteria: GeneDx Variant Classification Process June 2021. Collection method: clinical testing. Allele origin: germline. Affected: yes.
Comment: Not observed in large population cohorts (Lek et al., 2016); In silico analysis supports that this missense variant does not alter protein structure/function; Has not been previously published as pathogenic or benign to our knowledge

NM_014271.4(IL1RAPL1):c.613G>C (p.Glu205Gln)

Gene: IL1RAPL1 (interleukin 1 receptor accessory protein like 1; plus strand). Cytogenetic location: Xp21.2.
Variant type: single nucleotide variant.
Coding change: c.613G>C on transcript NM_014271.4 (MANE Select); coding-DNA position 613, G replaced by C.
Protein change: p.Glu205Gln; replaces glutamic acid 205 with glutamine.
Molecular consequence: missense variant.
Genome position (GRCh38, 1-based): chrX:29,399,218, G>C. VCF-style: chrX-29399218-G-C. GRCh37 (hg19) VCF-style: chrX-29417335-G-C.
Other names: short protein forms E205Q.
Identifiers: ClinVar variation 1301052 (VCV001301052.2), dbSNP rs1933957368, ClinGen allele CA412632599.